The following is an entry in ClinVar:

ClinVar aggregate classification (germline): Likely benign (1 of 4 stars; one submission).

Submission:

CeGaT Center for Human Genetics Tuebingen
Classification: Likely benign. Last evaluated: 2025-12-01. Review status: criteria provided, single submitter. Criteria: CeGaT Center For Human Genetics Tuebingen Variant Classification Criteria Version 2. Collection method: clinical testing. Allele origin: germline. Affected: yes. Observed: 3 variant alleles.
Comment: CBL: BS1

NM_005188.3(CBL):c.-126_-125insTGGCGGCGGCGGCGGCGGCGG

Genes: CBL (Cbl proto-oncogene; plus strand), FRA11B (fragile site, folic acid type, rare, fra(11)(q23.3); plus strand), LOC130006894 (ATAC-STARR-seq lymphoblastoid silent region 3974; plus strand). Cytogenetic location: 11q23.3.
Variant type: Insertion.
Coding change: c.-126_-125insTGGCGGCGGCGGCGGCGGCGG on transcript NM_005188.3; 126 bases upstream of the start codon through 125 bases upstream of the start codon, TGGCGGCGGCGGCGGCGGCGG inserted.
Genome position: GRCh38 VCF-style: chr11-119206289-C-CCGGTGGCGGCGGCGGCGGCGG. GRCh37 (hg19) VCF-style: chr11-119076999-C-CCGGTGGCGGCGGCGGCGGCGG.
Identifiers: ClinVar variation 3770717 (VCV003770717.13).
Genomic context (GRCh38, chr11:119,206,289, plus strand): 5'-GCGCACTCCCGGCGCCGCCCACTCCCCTCCCCACGGCCGCTCCTCCCTCCGCCCGGATAG[C>CCGGTGGCGGCGGCGGCGGCGG]CGGCGGCGGCGGCGGCGGCGGCGGCGGCGGCGGCCGGGAGAGGCCCCTCCTTCACGCCCT-3'